The following is an entry in ClinVar:

ClinVar aggregate classification (germline): Uncertain significance (1 of 4 stars; one submission).

Allele frequency attached by ClinVar (database versions not stated): ExAC 0.00003.
gnomAD v4.1: 23 of 1,610,280 alleles (0.0014%); highest among the groups gnomAD compares: South Asian, 0.0055%; no homozygotes.

Submission:

Labcorp Genetics (formerly Invitae), Labcorp
Classification: Uncertain significance. Last evaluated: 2023-08-24. Review status: criteria provided, single submitter. Criteria: Invitae Variant Classification Sherloc (09022015). Collection method: clinical testing. Allele origin: germline.
Comment: Advanced modeling of protein sequence and biophysical properties (such as structural, functional, and spatial information, amino acid conservation, physicochemical variation, residue mobility, and thermodynamic stability) performed at Invitae indicates that this missense variant is not expected to disrupt TONSL protein function. ClinVar contains an entry for this variant (Variation ID: 1484746). This variant has not been reported in the literature in individuals affected with TONSL-related conditions. This variant is present in population databases (rs748359246, gnomAD 0.006%). This sequence change replaces serine, which is neutral and polar, with leucine, which is neutral and non-polar, at codon 669 of the TONSL protein (p.Ser669Leu). In summary, the available evidence is currently insufficient to determine the role of this variant in disease. Therefore, it has been classified as a Variant of Uncertain Significance.

NM_013432.5(TONSL):c.2006C>T (p.Ser669Leu)

Genes: TONSL (tonsoku like, DNA repair protein; minus strand), TONSL-AS1 (TONSL antisense RNA 1; plus strand). Cytogenetic location: 8q24.3.
Variant type: single nucleotide variant.
Coding change: c.2006C>T on transcript NM_013432.5 (MANE Select); coding-DNA position 2006, C replaced by T.
Protein change: p.Ser669Leu; replaces serine 669 with leucine.
Molecular consequence: missense variant.
Genome position (GRCh38, 1-based): chr8:144,436,566, G>A on the plus strand (C>T on the coding strand, the complement: TONSL is on the minus strand). VCF-style: chr8-144436566-G-A. GRCh37 (hg19) VCF-style: chr8-145661949-G-A.
Other names: short protein forms S669L.
Identifiers: ClinVar variation 1484746 (VCV001484746.4), dbSNP rs748359246, ClinGen allele CA4942968.